The following is an entry in ClinVar:

NM_000275.3(OCA2):c.2446A>G (p.Met816Val)

Gene: OCA2 (OCA2 melanosomal transmembrane protein; minus strand). Cytogenetic location: 15q12.
Variant type: single nucleotide variant.
Coding change: c.2446A>G on transcript NM_000275.3 (MANE Select); coding-DNA position 2446, A replaced by G.
Protein change: p.Met816Val; replaces methionine 816 with valine.
Molecular consequence: missense variant.
Genome position (GRCh38, 1-based): chr15:27,755,459, T>C on the plus strand (A>G on the coding strand, the complement: OCA2 is on the minus strand). VCF-style: chr15-27755459-T-C. GRCh37 (hg19) VCF-style: chr15-28000605-T-C.
Other names: c.2374A>G, p.Met792Val (NM_001300984.2); c.2446A>G (NM_000275.2); short protein forms M792V, M816V.
Identifiers: ClinVar variation 2419199 (VCV002419199.5), dbSNP rs766970716, ClinGen allele CA7438557.

ClinVar aggregate classification (germline): Uncertain significance. Review status: criteria provided, multiple submitters, no conflicts (2 of 4 stars). 2 submissions from 2 submitters: Uncertain significance (2). Last evaluated 2023-02-15.

Conditions:
Inborn genetic diseases. Identifiers: MedGen C0950123, MeSH D030342.

Allele frequency attached by ClinVar (database versions not stated): gnomAD exomes 0.00001; ExAC 0.00003; TOPMed 0.00004; gnomAD 0.00005.
gnomAD v4.1: 29 of 1,613,738 alleles (0.0018%); highest among the groups gnomAD compares: African/African-American, 0.015%; no homozygotes.

Submissions (2):

Ambry Genetics
Classification: Uncertain significance for Inborn genetic diseases. Last evaluated: 2023-02-15. Review status: criteria provided, single submitter. Criteria: Ambry Variant Classification Scheme 2023. Collection method: clinical testing. Allele origin: germline.

Labcorp Genetics (formerly Invitae), Labcorp
Classification: Uncertain significance. Last evaluated: 2022-02-05. Review status: criteria provided, single submitter. Criteria: Invitae Variant Classification Sherloc (09022015). Collection method: clinical testing. Allele origin: germline.
Comment: This sequence change replaces methionine, which is neutral and non-polar, with valine, which is neutral and non-polar, at codon 816 of the OCA2 protein (p.Met816Val). This variant is present in population databases (rs766970716, gnomAD 0.03%). This variant has not been reported in the literature in individuals affected with OCA2-related conditions. Advanced modeling of protein sequence and biophysical properties (such as structural, functional, and spatial information, amino acid conservation, physicochemical variation, residue mobility, and thermodynamic stability) performed at Invitae indicates that this missense variant is not expected to disrupt OCA2 protein function. Algorithms developed to predict the effect of sequence changes on RNA splicing suggest that this variant may create or strengthen a splice site. In summary, the available evidence is currently insufficient to determine the role of this variant in disease. Therefore, it has been classified as a Variant of Uncertain Significance.